The following is an entry in ClinVar:

NM_001042492.3(NF1):c.4534T>C (p.Trp1512Arg)

Gene: NF1 (neurofibromin 1; plus strand). Cytogenetic location: 17q11.2.
Variant type: single nucleotide variant.
Coding change: c.4534T>C on transcript NM_001042492.3 (MANE Select); coding-DNA position 4534, T replaced by C.
Protein change: p.Trp1512Arg; replaces tryptophan 1512 with arginine.
Molecular consequence: missense variant.
Genome position (GRCh38, 1-based): chr17:31,260,472, T>C. VCF-style: chr17-31260472-T-C. GRCh37 (hg19) VCF-style: chr17-29587490-T-C.
Other names: c.4471T>C, p.Trp1491Arg (NM_000267.4); short protein forms W1491R, W1512R.
Identifiers: ClinVar variation 4035663 (VCV004035663.1).

ClinVar aggregate classification (germline): Uncertain significance (1 of 4 stars; one submission).

Conditions:
Cardiovascular phenotype. Identifiers: MedGen CN230736.
Hereditary cancer-predisposing syndrome. Also called: Neoplastic Syndromes, Hereditary; Tumor predisposition; Hereditary neoplastic syndrome; Hereditary Cancer Syndrome. Identifiers: Orphanet 140162, MedGen C0027672, MeSH D009386, MONDO:0015356.

Submission:

Ambry Genetics
Classification: Uncertain significance for Cardiovascular phenotype; Hereditary cancer-predisposing syndrome. Last evaluated: 2025-05-31. Review status: criteria provided, single submitter. Criteria: Ambry Variant Classification Scheme 2023. Collection method: clinical testing. Allele origin: germline.
Comment: The p.W1491R variant (also known as c.4471T>C), located in coding exon 33 of the NF1 gene, results from a T to C substitution at nucleotide position 4471. The tryptophan at codon 1491 is replaced by arginine, an amino acid with dissimilar properties. This amino acid position is conserved. In addition, this alteration is predicted to be deleterious by in silico analysis. Based on the available evidence, the clinical significance of this variant remains unclear.